The following is an entry in ClinVar:

NM_001267550.2(TTN):c.35577A>G (p.Glu11859=)

Gene: TTN (titin; minus strand). Cytogenetic location: 2q31.2.
Variant type: single nucleotide variant.
Coding change: c.35577A>G on transcript NM_001267550.2 (MANE Select); coding-DNA position 35577, A replaced by G.
Protein change: p.Glu11859=; no amino-acid change (glutamic acid 11859 retained).
Molecular consequence: synonymous variant. On other transcripts: intron variant (5).
Genome position (GRCh38, 1-based): chr2:178,667,690, T>C on the plus strand (A>G on the coding strand, the complement: TTN is on the minus strand). VCF-style: chr2-178667690-T-C. GRCh37 (hg19) VCF-style: chr2-179532417-T-C.
Other names: c.13283-25373A>G (NM_003319.4); c.13859-25373A>G (NM_133437.4); c.13658-25373A>G (NM_133432.3); c.31483+2528A>G (NM_133378.4); c.34264+2528A>G (NM_001256850.1).
Identifiers: ClinVar variation 1142372 (VCV001142372.40), dbSNP rs757426241, ClinGen allele CA1997785.

ClinVar aggregate classification (germline): Likely benign. Review status: criteria provided, multiple submitters, no conflicts (2 of 4 stars). 3 submissions from 3 submitters: Likely benign (3). Last evaluated 2025-06-22.

Conditions:
Dilated cardiomyopathy 1G (CMD1G). Identifiers: Orphanet 154, MedGen C1858763, MONDO:0011400, OMIM 604145.
Autosomal recessive limb-girdle muscular dystrophy type 2J (LGMDR10). Also called: MUSCULAR DYSTROPHY, LIMB-GIRDLE, AUTOSOMAL RECESSIVE 10; Limb-girdle muscular dystrophy, type 2J. Identifiers: Orphanet 140922, MedGen C1837342, MONDO:0012127, OMIM 608807.

Allele frequency attached by ClinVar (database versions not stated): gnomAD exomes 0.00001 and 0.00002; ExAC 0.00004.
gnomAD v4.1: 10 of 1,596,618 alleles (0.00063%); highest among the groups gnomAD compares: Non-Finnish European, 0.00076%; no homozygotes.

Submissions (3):

Labcorp Genetics (formerly Invitae), Labcorp
Classification: Likely benign for Dilated cardiomyopathy 1G; Autosomal recessive limb-girdle muscular dystrophy type 2J. Last evaluated: 2025-06-22. Review status: criteria provided, single submitter. Criteria: Invitae Variant Classification Sherloc (09022015). Collection method: clinical testing. Allele origin: germline.

Blueprint Genetics
Classification: Likely benign. Last evaluated: 2024-06-13. Review status: criteria provided, single submitter. Criteria: ACMG Guidelines, 2015. Collection method: clinical testing. Allele origin: germline.

CeGaT Center for Human Genetics Tuebingen
Classification: Likely benign. Last evaluated: 2022-05-01. Review status: criteria provided, single submitter. Criteria: CeGaT Center For Human Genetics Tuebingen Variant Classification Criteria Version 2. Collection method: clinical testing. Allele origin: germline. Affected: yes. Observed: 1 variant allele.
Comment: TTN: BP4